The following is an entry in ClinVar:

ClinVar aggregate classification (germline): Uncertain significance (1 of 4 stars; one submission).

Conditions:
Fanconi anemia (FA). Also called: Fanconi's anemia. Identifiers: Orphanet 84, MedGen C0015625, MeSH D005199, MONDO:0019391.

gnomAD v4.1: 1 of 1,612,856 alleles (0.000062%); highest among the groups gnomAD compares: Non-Finnish European, 0.000085%; no homozygotes.

Submission:

Labcorp Genetics (formerly Invitae), Labcorp
Classification: Uncertain significance for Fanconi anemia. Last evaluated: 2022-07-30. Review status: criteria provided, single submitter. Criteria: Invitae Variant Classification Sherloc (09022015). Collection method: clinical testing. Allele origin: germline.
Comment: This sequence change replaces histidine, which is basic and polar, with proline, which is neutral and non-polar, at codon 1070 of the FANCD2 protein (p.His1070Pro). This variant is not present in population databases (gnomAD no frequency). This variant has not been reported in the literature in individuals affected with FANCD2-related conditions. Algorithms developed to predict the effect of missense changes on protein structure and function (SIFT, PolyPhen-2, Align-GVGD) all suggest that this variant is likely to be tolerated. In summary, the available evidence is currently insufficient to determine the role of this variant in disease. Therefore, it has been classified as a Variant of Uncertain Significance.

NM_001018115.3(FANCD2):c.3209A>C (p.His1070Pro)

Genes: FANCD2 (FA complementation group D2; plus strand), FANCD2OS (FANCD2 opposite strand; minus strand). Cytogenetic location: 3p25.3.
Variant type: single nucleotide variant.
Coding change: c.3209A>C on transcript NM_001018115.3 (MANE Select); coding-DNA position 3209, A replaced by C.
Protein change: p.His1070Pro; replaces histidine 1070 with proline.
Molecular consequence: missense variant. On other transcripts: 3 prime UTR variant (1).
Genome position (GRCh38, 1-based): chr3:10,081,449, A>C. VCF-style: chr3-10081449-A-C. GRCh37 (hg19) VCF-style: chr3-10123133-A-C.
Other names: c.*126T>G (NM_173472.2); c.3209A>C, p.His1070Pro (NM_001319984.2, NM_001374254.1, NM_033084.6); c.3098A>C, p.His1033Pro (NM_001374253.1); short protein forms H1033P, H1070P.
Identifiers: ClinVar variation 1714414 (VCV001714414.6), dbSNP rs759516610, ClinGen allele CA70026258.